The following is an entry in ClinVar:

ClinVar aggregate classification (germline): Pathogenic (1 of 4 stars; one submission).

Conditions:
Vici syndrome (VICIS). Identifiers: Orphanet 1493, MedGen C1855772, MONDO:0009452, OMIM 242840.

Submission:

Labcorp Genetics (formerly Invitae), Labcorp
Classification: Pathogenic for Vici syndrome. Last evaluated: 2024-09-22. Review status: criteria provided, single submitter. Criteria: Invitae Variant Classification Sherloc (09022015). Collection method: clinical testing. Allele origin: germline.
Comment: This sequence change creates a premature translational stop signal (p.Ile338Tyrfs*21) in the EPG5 gene. It is expected to result in an absent or disrupted protein product. Loss-of-function variants in EPG5 are known to be pathogenic (PMID: 23222957, 23674064). This variant is not present in population databases (gnomAD no frequency). This variant has not been reported in the literature in individuals affected with EPG5-related conditions. For these reasons, this variant has been classified as Pathogenic.

Literature cited by the submitters: PubMed 23222957; PubMed 23674064.

NC_000018.10:g.45952644dup

Gene: EPG5 (ectopic P-granules 5 autophagy tethering factor; minus strand). Cytogenetic location: 18q21.1.
Variant type: Duplication.
Genome position: GRCh38 VCF-style: chr18-45952641-A-AC. GRCh37 (hg19) VCF-style: chr18-43532607-A-AC.
Identifiers: ClinVar variation 3721319 (VCV003721319.2).